The following is an entry in ClinVar:

ClinVar aggregate classification (germline): Uncertain significance (1 of 4 stars; one submission).

Submission:

Ambry Genetics
Classification: Uncertain significance. Last evaluated: 2023-10-23. Review status: criteria provided, single submitter. Criteria: Ambry Variant Classification Scheme 2023. Collection method: clinical testing. Allele origin: germline.
Comment: The p.V240I variant (also known as c.718G>A), located in coding exon 8 of the FAM175A gene, results from a G to A substitution at nucleotide position 718. The valine at codon 240 is replaced by isoleucine, an amino acid with highly similar properties. This amino acid position is conserved. In addition, this alteration is predicted to be tolerated by in silico analysis. Since supporting evidence is limited at this time, the clinical significance of this alteration remains unclear.

NM_139076.3(ABRAXAS1):c.718G>A (p.Val240Ile)

Gene: ABRAXAS1 (abraxas 1, BRCA1 A complex subunit; minus strand). Cytogenetic location: 4q21.23.
Variant type: single nucleotide variant.
Coding change: c.718G>A on transcript NM_139076.3 (MANE Select); coding-DNA position 718, G replaced by A.
Protein change: p.Val240Ile; replaces valine 240 with isoleucine.
Molecular consequence: missense variant.
Genome position (GRCh38, 1-based): chr4:83,463,572, C>T on the plus strand (G>A on the coding strand, the complement: ABRAXAS1 is on the minus strand). VCF-style: chr4-83463572-C-T. GRCh37 (hg19) VCF-style: chr4-84384725-C-T.
Other names: c.391G>A, p.Val131Ile (NM_001345962.2); short protein forms V131I, V240I.
Identifiers: ClinVar variation 3229154 (VCV003229154.1), dbSNP rs2529422065, ClinGen allele CA357256934.